The following is an entry in ClinVar:

ClinVar aggregate classification (germline): Likely benign (1 of 4 stars; one submission).

Submission:

CeGaT Center for Human Genetics Tuebingen
Classification: Likely benign. Last evaluated: 2026-03-01. Review status: criteria provided, single submitter. Criteria: CeGaT Center For Human Genetics Tuebingen Variant Classification Criteria Version 2. Collection method: clinical testing. Allele origin: germline. Affected: yes. Observed: 3 variant alleles.
Comment: COL25A1: BS2

NM_198721.4(COL25A1):c.367+82225_367+82226insAAAAAAAAAAAAAAAAAAACAAAC

Gene: COL25A1 (collagen type XXV alpha 1 chain; minus strand). Cytogenetic location: 4q25.
Variant type: Microsatellite.
Coding change: c.367+82225_367+82226insAAAAAAAAAAAAAAAAAAACAAAC on transcript NM_198721.4 (MANE Select); bases 82225 to 82226 of the intron after coding-DNA position 367, AAAAAAAAAAAAAAAAAAACAAAC inserted.
Molecular consequence: intron variant.
Genome position: GRCh38 VCF-style: chr4-109218357-G-GTTTTTTTTTTGTTTGTTTTTTTTT. GRCh37 (hg19) VCF-style: chr4-110139513-G-GTTTTTTTTTTGTTTGTTTTTTTTT.
Other names: c.367+82225_367+82226insAAAAAAAAAAAAAAAAAAACAAAC (NM_032518.4, NM_001256074.3).
Identifiers: ClinVar variation 4822491 (VCV004822491.4).